The following is an entry in ClinVar:

ClinVar aggregate classification (germline): Conflicting classifications of pathogenicity. Review status: criteria provided, conflicting classifications (1 of 4 stars). 2 submissions from 2 submitters: Uncertain significance (1); Benign (1). Last evaluated 2026-03-29.

Submissions (2):

GeneDx
Classification: Uncertain significance. Last evaluated: 2026-03-29. Review status: criteria provided, single submitter. Criteria: GeneDx Variant Classification Process June 2021. Collection method: clinical testing. Allele origin: germline.
Comment: Not observed at significant frequency in large population cohorts (gnomAD); In silico analysis suggests that this missense variant does not alter protein structure/function; Has not been previously published as pathogenic or benign to our knowledge

Labcorp Genetics (formerly Invitae), Labcorp
Classification: Benign. Last evaluated: 2022-10-24. Review status: criteria provided, single submitter. Criteria: Invitae Variant Classification Sherloc (09022015). Collection method: clinical testing. Allele origin: germline.

NM_001042750.2(STAG2):c.1054C>G (p.Gln352Glu)

Gene: STAG2 (STAG2 cohesin complex component; plus strand). Cytogenetic location: Xq25.
Variant type: single nucleotide variant.
Coding change: c.1054C>G on transcript NM_001042750.2 (MANE Select); coding-DNA position 1054, C replaced by G.
Protein change: p.Gln352Glu; replaces glutamine 352 with glutamic acid.
Molecular consequence: missense variant.
Genome position (GRCh38, 1-based): chrX:124,051,157, C>G. VCF-style: chrX-124051157-C-G. GRCh37 (hg19) VCF-style: chrX-123185007-C-G.
Other names: c.1054C>G, p.Gln352Glu (NM_001042751.2, NM_001282418.2, NM_001375366.1 and 13 more transcripts); short protein forms Q352E.
Identifiers: ClinVar variation 2025872 (VCV002025872.5), dbSNP rs2148226563, ClinGen allele CA414277287.